The following is an entry in ClinVar:

NM_000193.4(SHH):c.796C>T (p.Leu266Phe)

Gene: SHH (sonic hedgehog signaling molecule; minus strand). Cytogenetic location: 7q36.3.
Variant type: single nucleotide variant.
Coding change: c.796C>T on transcript NM_000193.4 (MANE Select); coding-DNA position 796, C replaced by T.
Protein change: p.Leu266Phe; replaces leucine 266 with phenylalanine.
Molecular consequence: missense variant. On other transcripts: intron variant (1).
Genome position (GRCh38, 1-based): chr7:155,803,493, G>A on the plus strand (C>T on the coding strand, the complement: SHH is on the minus strand). VCF-style: chr7-155803493-G-A. GRCh37 (hg19) VCF-style: chr7-155596187-G-A.
Other names: c.301+2803C>T (NM_001310462.2); short protein forms L266F.
Identifiers: ClinVar variation 545580 (VCV000545580.3), dbSNP rs1420292012, ClinGen allele CA370146047.
Genomic context (GRCh38, chr7:155,803,493, plus strand): 5'-CGGGCTCCCCGGTGGCCGAGTCGTTGTGCGGCGCCACAAAGAGCAGGTGCGCGGCGGTGA[G>A]CAGCAGGCGCTCGCGCGGCTCCCGCGTCTCGATCACGTAGAAGACCTTCTTGGCGCCGTC-3'
Protein context (NP_000184.1, residues 256-276): ETREPRERLL[Leu266Phe]TAAHLLFVAP

ClinVar aggregate classification (germline): Likely pathogenic. Review status: criteria provided, multiple submitters, no conflicts (2 of 4 stars). 2 submissions from 2 submitters: Likely pathogenic (2). Last evaluated 2026-04-30.

Conditions:
Holoprosencephaly 3 (HPE3). Identifiers: Orphanet 2162, MedGen C1840529, MONDO:0007733, OMIM 142945.

Submissions (2):

GeneDx
Classification: Likely pathogenic. Last evaluated: 2026-04-30. Review status: criteria provided, single submitter. Criteria: GeneDx Variant Classification Process June 2021. Collection method: clinical testing. Allele origin: germline.
Comment: Identified in several individuals with microcephaly, cleft palate, hypotelorism, and single central incisors in published literature (PMID: 32022405); Published functional studies suggest a damaging effect by very low rescue of SHH function in shh knockout zebrafish (PMID: 32939873); In silico analysis supports that this missense variant has a deleterious effect on protein structure/function; Not observed at significant frequency in large population cohorts (gnomAD); This variant is associated with the following publications: (PMID: 32022405, 32939873)

Muenke lab, National Institutes of Health
Classification: Likely pathogenic for Holoprosencephaly 3. Last evaluated: 2017-03-15. Review status: criteria provided, single submitter. Criteria: ACMG Guidelines, 2015. Collection method: clinical testing. Allele origin: maternal. Inheritance: Autosomal dominant inheritance. Affected: yes.